The following is an entry in ClinVar:

NM_198253.3(TERT):c.2860A>G (p.Ile954Val)

Gene: TERT (telomerase reverse transcriptase; minus strand). Cytogenetic location: 5p15.33.
Variant type: single nucleotide variant.
Coding change: c.2860A>G on transcript NM_198253.3 (MANE Select); coding-DNA position 2860, A replaced by G.
Protein change: p.Ile954Val; replaces isoleucine 954 with valine.
Molecular consequence: missense variant. On other transcripts: non-coding transcript variant (2).
Genome position (GRCh38, 1-based): chr5:1,260,584, T>C on the plus strand (A>G on the coding strand, the complement: TERT is on the minus strand). VCF-style: chr5-1260584-T-C. GRCh37 (hg19) VCF-style: chr5-1260699-T-C.
Other names: c.2671A>G, p.Ile891Val (NM_001193376.3); short protein forms I891V, I954V.
Identifiers: ClinVar variation 1016012 (VCV001016012.47), dbSNP rs1748158658, ClinGen allele CA359070542.

ClinVar aggregate classification (germline): Uncertain significance (1 of 4 stars; one submission).

Conditions:
Dyskeratosis congenita, autosomal dominant 2. Identifiers: MedGen C3151443, MONDO:0013521, OMIM 613989.
Idiopathic Pulmonary Fibrosis. Also called: Idiopathic fibrosing alveolitis, chronic form; idiopathic fibrosing alveolitis. Identifiers: Orphanet 2032, MedGen C1800706, MeSH D054990, MONDO:0800504.

Allele frequency attached by ClinVar (database versions not stated): gnomAD exomes below 0.00001; TOPMed 0.00001.
gnomAD v4.1: 4 of 1,614,128 alleles (0.00025%); highest among the groups gnomAD compares: South Asian, 0.0011%; no homozygotes.

Submission:

Labcorp Genetics (formerly Invitae), Labcorp
Classification: Uncertain significance for Dyskeratosis congenita, autosomal dominant 2; Idiopathic Pulmonary Fibrosis. Last evaluated: 2023-07-10. Review status: criteria provided, single submitter. Criteria: Invitae Variant Classification Sherloc (09022015). Collection method: clinical testing. Allele origin: germline.
Comment: Algorithms developed to predict the effect of missense changes on protein structure and function output the following: SIFT: "Not Available"; PolyPhen-2: "Benign"; Align-GVGD: "Not Available". The valine amino acid residue is found in multiple mammalian species, which suggests that this missense change does not adversely affect protein function. In summary, the available evidence is currently insufficient to determine the role of this variant in disease. Therefore, it has been classified as a Variant of Uncertain Significance. ClinVar contains an entry for this variant (Variation ID: 1016012). This variant has not been reported in the literature in individuals affected with TERT-related conditions. This variant is not present in population databases (gnomAD no frequency). This sequence change replaces isoleucine, which is neutral and non-polar, with valine, which is neutral and non-polar, at codon 954 of the TERT protein (p.Ile954Val).